The following is an entry in ClinVar:

NM_020533.3(MCOLN1):c.587A>C (p.Asp196Ala)

Gene: MCOLN1 (mucolipin TRP cation channel 1; plus strand). Cytogenetic location: 19p13.2.
Variant type: single nucleotide variant.
Coding change: c.587A>C on transcript NM_020533.3 (MANE Select); coding-DNA position 587, A replaced by C.
Protein change: p.Asp196Ala; replaces aspartic acid 196 with alanine.
Molecular consequence: missense variant.
Genome position (GRCh38, 1-based): chr19:7,527,535, A>C. VCF-style: chr19-7527535-A-C. GRCh37 (hg19) VCF-style: chr19-7592421-A-C.
Other names: short protein forms D196A.
Identifiers: ClinVar variation 3359738 (VCV003359738.2).
Genomic context (GRCh38, chr19:7,527,535, plus strand): 5'-GCCTCCCCGGCCCCCTGAGGCCCTTCCCTGACTCCCTGTCCTTAGACTGCATCCAGGTGG[A>C]TCCCCCCGAGCGGCCCCCTCCGCCCCCCAGCGACGATCTCACCCTCTTGGAAAGCAGCTC-3'
Protein context (NP_065394.1, residues 186-206): PMVVTDCIQV[Asp196Ala]PPERPPPPPS

ClinVar aggregate classification (germline): Uncertain significance. Review status: criteria provided, single submitter (1 of 4 stars). 2 submissions from 2 submitters: Uncertain significance (1). 1 of the submissions does not count toward it. Last evaluated 2023-06-13.

Conditions:
Mucolipidosis type IV (ML4). Also called: ML IV. Identifiers: Orphanet 578, MedGen C0238286, MONDO:0009653, OMIM 252650.

Submissions (2):

GeneDx
Classification: Uncertain significance. Last evaluated: 2023-06-13. Review status: criteria provided, single submitter. Criteria: GeneDx Variant Classification Process June 2021. Collection method: clinical testing. Allele origin: germline. Affected: yes.
Comment: Has not been previously published as pathogenic or benign to our knowledge; Not observed at significant frequency in large population cohorts (gnomAD); In silico analysis supports that this missense variant has a deleterious effect on protein structure/function

Natera, Inc.
Classification: Uncertain significance for Mucolipidosis type IV. Last evaluated: 2025-02-18. Review status: no assertion criteria provided. Collection method: clinical testing. Allele origin: germline. Not counted in ClinVar's aggregate classification.